The following is an entry in ClinVar:

ClinVar aggregate classification (germline): Likely pathogenic. Review status: criteria provided, single submitter (1 of 4 stars). 2 submissions from 2 submitters: Likely pathogenic (1). 1 of the submissions does not count toward it. Last evaluated 2025-08-21.

Conditions:
Neurofibromatosis, type 1 (NF1). Also called: NEUROFIBROMATOSIS, TYPE I, SOMATIC; Peripheral type neurofibromatosis; Neurofibromatosis, type I; VON RECKLINGHAUSEN DISEASE. Identifiers: Orphanet 636, MedGen C0027831, MONDO:0018975, OMIM 162200. Disease mechanism: loss of function.

Submissions (2):

Dasa
Classification: Likely pathogenic. Last evaluated: 2025-08-21. Review status: criteria provided, single submitter. Criteria: DASA Assertion Criteria. Collection method: clinical testing. Allele origin: germline.
Comment: NM_001042492.3(NF1):c.5295_5296del (p.Ala1767Argfs*14) is a frameshift variant in NF1 predicted to alter the reading frame and introduce a premature termination codon and is predicted to result in an absent or altered protein product. Loss of function is an established disease mechanism for NF1 (PMID: 1757093; PMID: 1302608; PMID: 34427956). Also, this variant is absent from population databases. Based on the currently available evidence, this variant is classified as likely pathogenic.

Clinical Molecular Genetics Laboratory, Johns Hopkins All Children's Hospital
Classification: Pathogenic for Neurofibromatosis, type 1. Last evaluated: 2017-08-08. Review status: no assertion criteria provided. Collection method: clinical testing. Allele origin: germline. Affected: yes. Not counted in ClinVar's aggregate classification.

Literature cited by the submitters: PubMed 1757093 (cited by Dasa); PubMed 1302608 (cited by Dasa); PubMed 34427956 (cited by Dasa).

NM_001042492.3(NF1):c.5295_5296del (p.Ala1767fs)

Gene: NF1 (neurofibromin 1; plus strand). Cytogenetic location: 17q11.2.
Variant type: Deletion.
Coding change: c.5295_5296del on transcript NM_001042492.3 (MANE Select); coding-DNA positions 5295 to 5296, 2 bases deleted (TT; older notation c.5295_5296delTT).
Protein change: p.Ala1767fs; shifts the reading frame from alanine 1767.
Molecular consequence: frameshift variant.
Genome position (GRCh38, 1-based): chr17:31,327,525-31,327,526, TT deleted. VCF-style (leftmost placement, unchanged base first): chr17-31327524-CTT-C. GRCh37 (hg19) VCF-style: chr17-29654542-CTT-C.
Other names: c.5232_5233delTT, p.Ala1746Argfs (NM_000267.4); c.5232_5233delTT (NM_000267.3); short protein forms A1767fs, A1746fs.
Identifiers: ClinVar variation 492884 (VCV000492884.3), dbSNP rs1555533552, ClinGen allele CA658684012.